The following is an entry in ClinVar:

NC_000002.11:g.(?_179392981)_(179393966_?)del

Gene: TTN (titin; minus strand). Cytogenetic location: 2q31.2.
Variant type: Deletion.
Identifiers: ClinVar variation 3247286 (VCV003247286.1).

ClinVar aggregate classification (germline): Uncertain significance (1 of 4 stars; one submission).

Conditions:
Autosomal recessive limb-girdle muscular dystrophy type 2J (LGMDR10). Also called: Limb-girdle muscular dystrophy, type 2J; MUSCULAR DYSTROPHY, LIMB-GIRDLE, AUTOSOMAL RECESSIVE 10. Identifiers: Orphanet 140922, MedGen C1837342, MONDO:0012127, OMIM 608807.
Dilated cardiomyopathy 1G (CMD1G). Identifiers: Orphanet 154, MedGen C1858763, MONDO:0011400, OMIM 604145.

Submission:

Labcorp Genetics (formerly Invitae), Labcorp
Classification: Uncertain significance for Dilated cardiomyopathy 1G; Autosomal recessive limb-girdle muscular dystrophy type 2J. Last evaluated: 2023-10-28. Review status: criteria provided, single submitter. Criteria: Invitae Variant Classification Sherloc (09022015). Collection method: clinical testing. Allele origin: unknown.
Comment: This variant is a gross deletion of the genomic region encompassing exon(s) 360-361 of the TTN gene. This variant would be expected to be in-frame, preserving the integrity of the reading frame. This variant has not been reported in the literature in individuals affected with TTN-related conditions. Experimental studies and prediction algorithms are not available or were not evaluated, and the functional significance of this variant is currently unknown. This variant disrupts the M band(s) of TTN (PMID: 25589632). Copy number variants in TTN have been previously reported in individuals affected with neuromuscular disorders (PMID: 29792937, 30238059), but the functional significance of this variant is currently unknown. In summary, the available evidence is currently insufficient to determine the role of this variant in disease. Therefore, it has been classified as a Variant of Uncertain Significance.

Literature cited by the submitters: PubMed 25589632; PubMed 29792937; PubMed 30238059.